The following is an entry in ClinVar:

NM_001367561.1(DOCK7):c.2395T>A (p.Leu799Ile)

Gene: DOCK7 (dedicator of cytokinesis 7; minus strand). Cytogenetic location: 1p31.3.
Variant type: single nucleotide variant.
Coding change: c.2395T>A on transcript NM_001367561.1 (MANE Select); coding-DNA position 2395, T replaced by A.
Protein change: p.Leu799Ile; replaces leucine 799 with isoleucine.
Molecular consequence: missense variant.
Genome position (GRCh38, 1-based): chr1:62,559,025, A>T on the plus strand (T>A on the coding strand, the complement: DOCK7 is on the minus strand). VCF-style: chr1-62559025-A-T. GRCh37 (hg19) VCF-style: chr1-63024696-A-T.
Other names: c.2395T>A, p.Leu799Ile (NM_001271999.2, NM_001272000.2, NM_001272001.2 and 2 more transcripts); short protein forms L799I.
Identifiers: ClinVar variation 649871 (VCV000649871.8), dbSNP rs1346114751, ClinGen allele CA340626005.

ClinVar aggregate classification (germline): Uncertain significance (1 of 4 stars; one submission).

Conditions:
Developmental and epileptic encephalopathy, 23 (DEE23). Also called: Epileptic encephalopathy, early infantile, 23. Identifiers: Orphanet 411986, MedGen C4014492, MONDO:0014371, OMIM 615859.

Allele frequency attached by ClinVar (database versions not stated): TOPMed 0.00001; gnomAD 0.00001.
gnomAD v4.1: 2 of 1,613,666 alleles (0.00012%); highest among the groups gnomAD compares: Admixed American, 0.0033%; no homozygotes.

Submission:

Labcorp Genetics (formerly Invitae), Labcorp
Classification: Uncertain significance for Developmental and epileptic encephalopathy, 23. Last evaluated: 2021-09-01. Review status: criteria provided, single submitter. Criteria: Invitae Variant Classification Sherloc (09022015). Collection method: clinical testing. Allele origin: germline.
Comment: This sequence change replaces leucine with isoleucine at codon 799 of the DOCK7 protein (p.Leu799Ile). The leucine residue is highly conserved and there is a small physicochemical difference between leucine and isoleucine. This variant is not present in population databases (ExAC no frequency). This variant has not been reported in the literature in individuals affected with DOCK7-related conditions. Algorithms developed to predict the effect of missense changes on protein structure and function are either unavailable or do not agree on the potential impact of this missense change (SIFT: "Deleterious"; PolyPhen-2: "Probably Damaging"; Align-GVGD: "Class C0"). In summary, the available evidence is currently insufficient to determine the role of this variant in disease. Therefore, it has been classified as a Variant of Uncertain Significance.